The following is an entry in ClinVar:

NM_004562.3(PRKN):c.361G>C (p.Val121Leu)

Gene: PRKN (parkin RBR E3 ubiquitin protein ligase; minus strand). Cytogenetic location: 6q26.
Variant type: single nucleotide variant.
Coding change: c.361G>C on transcript NM_004562.3 (MANE Select); coding-DNA position 361, G replaced by C.
Protein change: p.Val121Leu; replaces valine 121 with leucine.
Molecular consequence: missense variant. On other transcripts: intron variant (1).
Genome position (GRCh38, 1-based): chr6:162,262,576, C>G on the plus strand (G>C on the coding strand, the complement: PRKN is on the minus strand). VCF-style: chr6-162262576-C-G. GRCh37 (hg19) VCF-style: chr6-162683608-C-G.
Other names: c.361G>C, p.Val121Leu (NM_013987.3); c.171+180734G>C (NM_013988.3); short protein forms V121L.
Identifiers: ClinVar variation 4751498 (VCV004751498.1).
Genomic context (GRCh38, chr6:162,262,576, plus strand): 5'-TCCAATTACCTGGACTTCCAGCTGGTGGTGAGTCCTTCCTGCTGTCAGTGTGCAGAATGA[C>G]AGCCAGCCCCACAGAGTCTCCTGGGAGGACTGAGCTGCTGAGGTCCACCCGAGTCAAGCT-3'
Protein context (NP_004553.2, residues 111-131): VLPGDSVGLA[Val121Leu]ILHTDSRKDS

ClinVar aggregate classification (germline): Uncertain significance (1 of 4 stars; one submission).

Submission:

Labcorp Genetics (formerly Invitae), Labcorp
Classification: Uncertain significance. Last evaluated: 2025-10-01. Review status: criteria provided, single submitter. Criteria: Invitae Variant Classification Sherloc (09022015). Collection method: clinical testing. Allele origin: germline.
Comment: This sequence change replaces valine, which is neutral and non-polar, with leucine, which is neutral and non-polar, at codon 121 of the PRKN protein (p.Val121Leu). This variant is not present in population databases (gnomAD no frequency). This variant has not been reported in the literature in individuals affected with PRKN-related conditions. Invitae Evidence Modeling of protein sequence and biophysical properties (such as structural, functional, and spatial information, amino acid conservation, physicochemical variation, residue mobility, and thermodynamic stability) indicates that this missense variant is not expected to disrupt PRKN protein function with a negative predictive value of 80%. In summary, the available evidence is currently insufficient to determine the role of this variant in disease. Therefore, it has been classified as a Variant of Uncertain Significance.